The following is an entry in ClinVar:

ClinVar aggregate classification (germline): Uncertain significance. Review status: criteria provided, multiple submitters, no conflicts (2 of 4 stars). 2 submissions from 2 submitters: Uncertain significance (2). Last evaluated 2025-08-26.

Conditions:
Carnitine palmitoyl transferase 1A deficiency. Also called: Carnitine palmitoyltransferase 1A deficiency; CPT I DEFICIENCY; CPT DEFICIENCY, HEPATIC, TYPE I; CPT deficiency, hepatic, type IA; Carnitine palmitoyltransferase type I deficiency. Identifiers: Orphanet 156, MedGen C1829703, MONDO:0009705, OMIM 255120.
Inborn genetic diseases. Identifiers: MedGen C0950123, MeSH D030342.

Allele frequency attached by ClinVar (database versions not stated): gnomAD 0.00002; TOPMed 0.00002; gnomAD exomes 0.00003; ExAC 0.00010.
gnomAD v4.1: 54 of 1,612,034 alleles (0.0033%); highest among the groups gnomAD compares: South Asian, 0.045%; no homozygotes.

Submissions (2):

Ambry Genetics
Classification: Uncertain significance for Inborn genetic diseases. Last evaluated: 2025-08-26. Review status: criteria provided, single submitter. Criteria: Ambry Variant Classification Scheme 2023. Collection method: clinical testing. Allele origin: germline.

Labcorp Genetics (formerly Invitae), Labcorp
Classification: Uncertain significance for Carnitine palmitoyl transferase 1A deficiency. Last evaluated: 2022-08-03. Review status: criteria provided, single submitter. Criteria: Invitae Variant Classification Sherloc (09022015). Collection method: clinical testing. Allele origin: germline.
Comment: This sequence change replaces arginine, which is basic and polar, with tryptophan, which is neutral and slightly polar, at codon 310 of the CPT1A protein (p.Arg310Trp). This variant is present in population databases (rs760672457, gnomAD 0.06%). This variant has not been reported in the literature in individuals affected with CPT1A-related conditions. Algorithms developed to predict the effect of missense changes on protein structure and function are either unavailable or do not agree on the potential impact of this missense change (SIFT: "Deleterious"; PolyPhen-2: "Probably Damaging"; Align-GVGD: "Class C0"). In summary, the available evidence is currently insufficient to determine the role of this variant in disease. Therefore, it has been classified as a Variant of Uncertain Significance.

NM_001876.4(CPT1A):c.928C>T (p.Arg310Trp)

Gene: CPT1A (carnitine palmitoyltransferase 1A; minus strand). Cytogenetic location: 11q13.3.
Variant type: single nucleotide variant.
Coding change: c.928C>T on transcript NM_001876.4 (MANE Select); coding-DNA position 928, C replaced by T.
Protein change: p.Arg310Trp; replaces arginine 310 with tryptophan.
Molecular consequence: missense variant.
Genome position (GRCh38, 1-based): chr11:68,793,354, G>A on the plus strand (C>T on the coding strand, the complement: CPT1A is on the minus strand). VCF-style: chr11-68793354-G-A. GRCh37 (hg19) VCF-style: chr11-68560822-G-A.
Other names: c.928C>T, p.Arg310Trp (NM_001031847.3); c.928C>T (NM_001876.3); short protein forms R310W.
Identifiers: ClinVar variation 2145269 (VCV002145269.2), dbSNP rs760672457, ClinGen allele CA6152480.